The following is an entry in ClinVar:

ClinVar aggregate classification (germline): Benign/Likely benign. Review status: criteria provided, multiple submitters, no conflicts (2 of 4 stars). 5 submissions from 5 submitters: Benign (3); Likely benign (1). 1 of the submissions does not count toward it. Last evaluated 2026-05-01.

Conditions:
MASTL-related disorder. Also called: MASTL-related condition.
Thrombocytopenia. Identifiers: MedGen C0040034, MeSH D013921, MONDO:0002049, HP:0001873.

Allele frequency attached by ClinVar (database versions not stated): gnomAD 0.00009 and 0.00034; TOPMed 0.00016; ESP Exome Variant Server 0.00023; gnomAD exomes 0.00127; ExAC 0.00149; 1000 Genomes Project 30x 0.00328; 1000 Genomes Project 0.00359.
gnomAD v4.1: 982 of 1,614,192 alleles (0.061%); highest among the groups gnomAD compares: South Asian, 0.86%; 13 homozygotes.

Submissions (5):

CeGaT Center for Human Genetics Tuebingen
Classification: Likely benign. Last evaluated: 2026-05-01. Review status: criteria provided, single submitter. Criteria: CeGaT Center For Human Genetics Tuebingen Variant Classification Criteria Version 2. Collection method: clinical testing. Allele origin: germline. Affected: yes. Observed: 1 variant allele.
Comment: MASTL: BP4, BS2

Mayo Clinic Laboratories, Mayo Clinic
Classification: Benign. Last evaluated: 2025-07-24. Review status: criteria provided, single submitter. Criteria: ACMG Guidelines, 2015. Collection method: clinical testing. Allele origin: germline. Observed: 3 variant alleles.
Comment: BS1, BS2, BP4_moderate

Illumina Laboratory Services, Illumina
Classification: Benign for Thrombocytopenia. Last evaluated: 2018-01-13. Review status: criteria provided, single submitter. Criteria: ICSL Variant Classification Criteria 13 December 2019. Collection method: clinical testing. Allele origin: germline.
Comment: This variant was observed in the ICSL laboratory as part of a predisposition screen in an ostensibly healthy population. It had not been previously curated by ICSL or reported in the Human Gene Mutation Database (HGMD: prior to June 1st, 2018), and was therefore a candidate for classification through an automated scoring system. Utilizing variant allele frequency, disease prevalence and penetrance estimates, and inheritance mode, an automated score was calculated to assess if this variant is too frequent to cause the disease. Based on the score and internal cut-off values, a variant classified as benign is not then subjected to further curation. The score for this variant resulted in a classification of benign for this disease.

Breakthrough Genomics
Classification: Benign. Review status: criteria provided, single submitter. Criteria: ACMG Guidelines, 2015. Collection method: not provided. Allele origin: germline. Inheritance: Unknown mechanism. Affected: yes.

PreventionGenetics, part of Exact Sciences
Classification: Benign for MASTL-related condition. Last evaluated: 2024-02-05. Review status: no assertion criteria provided. Collection method: clinical testing. Allele origin: germline. Not counted in ClinVar's aggregate classification.
Comment: This variant is classified as benign based on ACMG/AMP sequence variant interpretation guidelines (Richards et al. 2015 PMID: 25741868, with internal and published modifications).

NM_001172303.3(MASTL):c.1930A>C (p.Lys644Gln)

Gene: MASTL (microtubule associated serine/threonine kinase like; plus strand). Cytogenetic location: 10p12.1.
Variant type: single nucleotide variant.
Coding change: c.1930A>C on transcript NM_001172303.3 (MANE Select); coding-DNA position 1930, A replaced by C.
Protein change: p.Lys644Gln; replaces lysine 644 with glutamine.
Molecular consequence: missense variant. On other transcripts: non-coding transcript variant (1).
Genome position (GRCh38, 1-based): chr10:27,170,889, A>C. VCF-style: chr10-27170889-A-C. GRCh37 (hg19) VCF-style: chr10-27459818-A-C.
Other names: p.Lys644Gln; c.1930A>C, p.Lys644Gln (NM_001320756.2, NM_001320757.2, NM_032844.5 and 1 more transcripts); c.1447A>C, p.Lys483Gln (NM_001372029.1, NM_001372030.1); c.1930A>C (NM_032844.4); short protein forms K644Q, K483Q.
Identifiers: ClinVar variation 880268 (VCV000880268.10), dbSNP rs140163549, ClinGen allele CA5450306.
Genomic context (GRCh38, chr10:27,170,889, plus strand): 5'-GAGAACCCTGCTGTACAAGAGAGTAACCAAAAAATGTTAGGTCCTCCTTTGGAGGTGCTG[A>C]AAACGTTAGCCTCTAAAAGAAATGCTGTTGCTTTTCGAAGTTTTAACAGTCATATTAATG-3'
Protein context (NP_001165774.1, residues 634-654): KMLGPPLEVL[Lys644Gln]TLASKRNAVA